The following is an entry in ClinVar:

NM_000179.3(MSH6):c.1716G>A (p.Gln572=)

Gene: MSH6 (mutS homolog 6; plus strand). Cytogenetic location: 2p16.3.
Variant type: single nucleotide variant.
Coding change: c.1716G>A on transcript NM_000179.3 (MANE Select); coding-DNA position 1716, G replaced by A.
Protein change: p.Gln572=; no amino-acid change (glutamine 572 retained).
Molecular consequence: synonymous variant.
Genome position (GRCh38, 1-based): chr2:47,799,699, G>A. VCF-style: chr2-47799699-G-A. GRCh37 (hg19) VCF-style: chr2-48026838-G-A.
Other names: c.1326G>A, p.Gln442= (NM_001281492.2); c.810G>A, p.Gln270= (NM_001281493.2, NM_001281494.2).
Identifiers: ClinVar variation 416133 (VCV000416133.13), dbSNP rs745772518, ClinGen allele CA16610981.
Genomic context (GRCh38, chr2:47,799,699, plus strand): 5'-TACTCGTGCATATGGTGTGTGCTTTGTTGATACTTCACTGGGAAAGTTTTTCATAGGTCA[G>A]TTTTCAGATGATCGCCATTGTTCGAGATTTAGGACTCTAGTGGCACACTATCCCCCAGTA-3'
Protein context (NP_000170.1, residues 562-582): DTSLGKFFIG[Gln572=]FSDDRHCSRF

ClinVar aggregate classification (germline): Benign/Likely benign. Review status: criteria provided, multiple submitters, no conflicts (2 of 4 stars). 4 submissions from 4 submitters: Benign (1); Likely benign (3). Last evaluated 2024-12-27.

Conditions:
Hereditary nonpolyposis colorectal neoplasms. Identifiers: MedGen C0009405, MeSH D003123.
Hereditary cancer-predisposing syndrome. Also called: Tumor predisposition; Neoplastic Syndromes, Hereditary; Hereditary neoplastic syndrome; Hereditary Cancer Syndrome. Identifiers: Orphanet 140162, MedGen C0027672, MeSH D009386, MONDO:0015356.
Lynch syndrome. Identifiers: Orphanet 144, MedGen C4552100, MONDO:0005835. Disease mechanism: loss of function.
Lynch syndrome 5 (LYNCH5). Also called: Colorectal cancer, hereditary nonpolyposis, type 5; Hereditary non-polyposis colorectal cancer, type 5. Identifiers: Orphanet 144, MedGen C1833477, MONDO:0013710, OMIM 614350. Disease mechanism: loss of function.

Submissions (4):

Myriad Genetics, Inc.
Classification: Benign for Lynch syndrome 5. Last evaluated: 2024-12-27. Review status: criteria provided, single submitter. Criteria: Myriad Autosomal Dominant, Autosomal Recessive and X-Linked Classification Criteria (2023). Collection method: clinical testing. Allele origin: unknown.
Comment: This variant is considered benign. This variant is a silent/synonymous amino acid change and it is not expected to impact splicing.

All of Us Research Program, National Institutes of Health
Classification: Likely benign for Lynch syndrome. Last evaluated: 2023-10-02. Review status: criteria provided, single submitter. Criteria: ACMG Guidelines, 2015. Collection method: clinical testing. Allele origin: germline. Inheritance: Autosomal dominant inheritance. Observed: 1 variant allele, 1 heterozygote.
Comment: This study involves interpretation of variants in research participants for the purpose of population health screening. Participant phenotype was not available at the time of variant classification. Additional details can be found in publication PMID: 35346344, PMCID: PMC8962531

Color Diagnostics, LLC DBA Color Health
Classification: Likely benign for Hereditary cancer-predisposing syndrome. Last evaluated: 2017-10-27. Review status: criteria provided, single submitter. Criteria: ACMG Guidelines, 2015. Collection method: clinical testing. Allele origin: germline.

Labcorp Genetics (formerly Invitae), Labcorp
Classification: Likely benign for Hereditary nonpolyposis colorectal neoplasms. Last evaluated: 2016-12-14. Review status: criteria provided, single submitter. Criteria: Invitae Variant Classification Sherloc (09022015). Collection method: clinical testing. Allele origin: germline.